The following is an entry in ClinVar:

ClinVar aggregate classification (germline): Conflicting classifications of pathogenicity. Review status: criteria provided, conflicting classifications (1 of 4 stars). 6 submissions from 6 submitters: Uncertain significance (4); Likely benign (2). Last evaluated 2026-08-09.

Conditions:
Inborn genetic diseases. Identifiers: MedGen C0950123, MeSH D030342.
TBC1D24-related disorder. Also called: TBC1D24-related disorders; TBC1D24-related condition. Identifiers: MedGen CN381194.
Autosomal dominant nonsyndromic hearing loss 65. Also called: Deafness, autosomal dominant 65; TBC1D24-Related Autosomal Dominant Nonsyndromic Hearing Loss (DFNA). Identifiers: Orphanet 90635, MedGen C3892048, MONDO:0014470, OMIM 616044.
Developmental and epileptic encephalopathy, 1 (DEE1). Also called: Epileptic encephalopathy, early infantile, 1; X-linked infantile spasms; West's syndrome; Tonic spasms with clustering, arrest of psychomotor development and hypsarrhythmia on EEG; X-Linked Infantile Spasm Syndrome; OHTAHARA SYNDROME, X-LINKED. Identifiers: MedGen C3463992, MONDO:0010632, OMIM 308350. Disease mechanism: loss of function.

Allele frequency attached by ClinVar (database versions not stated): TOPMed 0.00005; ExAC 0.00006; gnomAD 0.00006; gnomAD exomes 0.00009.
gnomAD v4.1: 183 of 1,601,578 alleles (0.011%); highest among the groups gnomAD compares: South Asian, 0.025%; no homozygotes.

Submissions (6):

PreventionGenetics, part of Exact Sciences
Classification: Uncertain significance for TBC1D24-related condition. Last evaluated: 2026-08-09. Review status: criteria provided, single submitter. Criteria: ACMG Guidelines, 2015. Collection method: clinical testing. Allele origin: germline.
Comment: The TBC1D24 c.1453G>A variant is predicted to result in the amino acid substitution p.Ala485Thr. To our knowledge, this variant has not been reported in the literature. This variant is reported in 0.029% of alleles in individuals of South Asian descent in gnomAD. At this time, the clinical significance of this variant is uncertain due to the absence of conclusive functional and genetic evidence.

CeGaT Center for Human Genetics Tuebingen
Classification: Uncertain significance. Last evaluated: 2026-04-01. Review status: criteria provided, single submitter. Criteria: CeGaT Center For Human Genetics Tuebingen Variant Classification Criteria Version 2. Collection method: clinical testing. Allele origin: germline. Affected: yes. Observed: 5 variant alleles.
Comment: TBC1D24: PM2:Supporting, BP4

Labcorp Genetics (formerly Invitae), Labcorp
Classification: Uncertain significance for Developmental and epileptic encephalopathy, 1; Autosomal dominant nonsyndromic hearing loss 65. Last evaluated: 2025-10-22. Review status: criteria provided, single submitter. Criteria: Invitae Variant Classification Sherloc (09022015). Collection method: clinical testing. Allele origin: germline.
Comment: This sequence change replaces alanine, which is neutral and non-polar, with threonine, which is neutral and polar, at codon 485 of the TBC1D24 protein (p.Ala485Thr). This variant is present in population databases (rs774586263, gnomAD 0.03%). This variant has not been reported in the literature in individuals affected with TBC1D24-related conditions. ClinVar contains an entry for this variant (Variation ID: 386478). Invitae Evidence Modeling of protein sequence and biophysical properties (such as structural, functional, and spatial information, amino acid conservation, physicochemical variation, residue mobility, and thermodynamic stability) indicates that this missense variant is not expected to disrupt TBC1D24 protein function with a negative predictive value of 95%. In summary, the available evidence is currently insufficient to determine the role of this variant in disease. Therefore, it has been classified as a Variant of Uncertain Significance.

Ambry Genetics
Classification: Likely benign for Inborn genetic diseases. Last evaluated: 2024-12-25. Review status: criteria provided, single submitter. Criteria: Ambry Variant Classification Scheme 2023. Collection method: clinical testing. Allele origin: germline.

Blueprint Genetics
Classification: Likely benign. Last evaluated: 2024-11-08. Review status: criteria provided, single submitter. Criteria: ACMG Guidelines, 2015. Collection method: clinical testing. Allele origin: germline.

GeneDx
Classification: Uncertain significance. Last evaluated: 2024-03-27. Review status: criteria provided, single submitter. Criteria: GeneDx Variant Classification Process June 2021. Collection method: clinical testing. Allele origin: germline. Affected: yes.
Comment: In silico analysis supports that this missense variant does not alter protein structure/function; Has not been previously published as pathogenic or benign to our knowledge

NM_001199107.2(TBC1D24):c.1453G>A (p.Ala485Thr)

Gene: TBC1D24 (TBC1 domain family member 24; plus strand). Cytogenetic location: 16p13.3.
Variant type: single nucleotide variant.
Coding change: c.1453G>A on transcript NM_001199107.2 (MANE Select); coding-DNA position 1453, G replaced by A.
Protein change: p.Ala485Thr; replaces alanine 485 with threonine.
Molecular consequence: missense variant.
Genome position (GRCh38, 1-based): chr16:2,500,418, G>A. VCF-style: chr16-2500418-G-A. GRCh37 (hg19) VCF-style: chr16-2550419-G-A.
Other names: c.1435G>A, p.Ala479Thr (NM_020705.3); short protein forms A485T, A479T.
Identifiers: ClinVar variation 386478 (VCV000386478.55), dbSNP rs774586263, ClinGen allele CA7844299.